The following is an entry in ClinVar:

ClinVar aggregate classification (germline): Benign/Likely benign. Review status: criteria provided, multiple submitters, no conflicts (2 of 4 stars). 12 submissions from 11 submitters: Benign (5); Likely benign (7). Last evaluated 2026-09-21.

Conditions:
MYBPC3-related disorder. Also called: MYBPC3-related disorders; MYBPC3-related condition; MYBPC3-related disease.
Cardiovascular phenotype. Identifiers: MedGen CN230736.
Left ventricular noncompaction 10 (LVNC10). Identifiers: Orphanet 154, Orphanet 54260, MedGen C3715165, MONDO:0014163, OMIM 615396.
Cardiomyopathy (CMYO). Also called: Cardiomyopathies. Identifiers: Orphanet 167848, MedGen C0878544, MONDO:0004994, HP:0001638. Inheritance: Various modes of inheritance.
Hypertrophic cardiomyopathy 4. Also called: Familial hypertrophic cardiomyopathy 4. Identifiers: MedGen C1861862, MONDO:0007268, OMIM 115197.
Hypertrophic cardiomyopathy. Also called: HYPERTROPHIC MYOCARDIOPATHY. Identifiers: Orphanet 217569, MedGen C0007194, MeSH D002312, MONDO:0005045, HP:0001639.

Allele frequency attached by ClinVar (database versions not stated): gnomAD exomes 0.00007 and 0.00043; 1000 Genomes Project 0.00080; gnomAD 0.00015 and 0.00014; ExAC 0.00031; TOPMed 0.00013; 1000 Genomes Project 30x 0.00078.
gnomAD v4.1: 127 of 1,614,004 alleles (0.0079%); highest among the groups gnomAD compares: East Asian, 0.28%; no homozygotes.

Submissions (12):

Molecular Diagnostic Laboratory for Inherited Cardiovascular Disease, Montreal Heart Institute
Classification: Benign. Last evaluated: 2026-09-21. Review status: criteria provided, single submitter. Criteria: ACMG Guidelines, 2015. Collection method: clinical testing. Allele origin: germline. Affected: no.

Labcorp Genetics (formerly Invitae), Labcorp
Classification: Benign for Hypertrophic cardiomyopathy. Last evaluated: 2026-01-14. Review status: criteria provided, single submitter. Criteria: Invitae Variant Classification Sherloc (09022015). Collection method: clinical testing. Allele origin: germline.

PreventionGenetics, part of Exact Sciences
Classification: Likely benign for MYBPC3-related condition. Last evaluated: 2025-06-09. Review status: criteria provided, single submitter. Criteria: ACMG Guidelines, 2015. Collection method: clinical testing. Allele origin: germline.
Comment: This variant is classified as likely benign based on ACMG/AMP sequence variant interpretation guidelines (Richards et al. 2015 PMID: 25741868, with internal and published modifications).

Blueprint Genetics
Classification: Likely benign. Last evaluated: 2024-10-04. Review status: criteria provided, single submitter. Criteria: ACMG Guidelines, 2015. Collection method: clinical testing. Allele origin: germline.

All of Us Research Program, National Institutes of Health
Classification: Benign for Hypertrophic cardiomyopathy. Last evaluated: 2024-02-05. Review status: criteria provided, single submitter. Criteria: ACMG Guidelines, 2015. Collection method: clinical testing. Allele origin: germline. Inheritance: Autosomal dominant inheritance. Observed: 20 variant alleles, 20 heterozygotes.
Comment: This study involves interpretation of variants in research participants for the purpose of population health screening. Participant phenotype was not available at the time of variant classification. Additional details can be found in publication PMID: 35346344, PMCID: PMC8962531

Color Diagnostics, LLC DBA Color Health
Classification: Benign for Cardiomyopathy. Last evaluated: 2018-10-16. Review status: criteria provided, single submitter. Criteria: ACMG Guidelines, 2015. Collection method: clinical testing. Allele origin: germline.

CHEO Genetics Diagnostic Laboratory, Children's Hospital of Eastern Ontario
Classification: Likely benign for Cardiomyopathy. Last evaluated: 2017-10-25. Review status: criteria provided, single submitter. Criteria: ACMG Guidelines, 2015. Collection method: clinical testing. Allele origin: germline. Study: Canadian Open Genetics Repository.

Illumina Laboratory Services, Illumina
Classification: Likely benign for Left ventricular noncompaction 10. Last evaluated: 2017-04-27. Review status: criteria provided, single submitter. Criteria: ICSL Variant Classification Criteria 13 December 2019. Collection method: clinical testing. Allele origin: germline.
Comment: This variant was observed as part of a predisposition screen in an ostensibly healthy population. A literature search was performed for the gene, cDNA change, and amino acid change (where applicable). No publications were found based on this search. Allele frequency data from public databases allowed determination this variant is unlikely to cause disease. Therefore, this variant is classified as likely benign.

Illumina Laboratory Services, Illumina
Classification: Likely benign for Hypertrophic cardiomyopathy 4. Last evaluated: 2017-04-27. Review status: criteria provided, single submitter. Criteria: ICSL Variant Classification Criteria 13 December 2019. Collection method: clinical testing. Allele origin: germline.
Comment: the same text as in the submission from Illumina Laboratory Services, Illumina above.

Ambry Genetics
Classification: Likely benign for Cardiovascular phenotype. Last evaluated: 2017-03-13. Review status: criteria provided, single submitter. Criteria: Ambry Variant Classification Scheme 2023. Collection method: clinical testing. Allele origin: germline.

GeneDx
Classification: Benign. Last evaluated: 2015-03-03. Review status: criteria provided, single submitter. Criteria: GeneDx Variant Classification Process June 2021. Collection method: clinical testing. Allele origin: germline. Affected: yes.

Laboratory for Molecular Medicine, Mass General Brigham Personalized Medicine
Classification: Likely benign. Last evaluated: 2013-04-03. Review status: criteria provided, single submitter. Criteria: LMM Criteria. Collection method: clinical testing. Allele origin: germline. Observed: 5 variant alleles.
Comment: Arg820Arg in exon 25 of MYBPC3: This variant is not expected to have clinical si gnificance because it does not alter an amino acid residue and is not located wi thin the splice consensus sequence. Arg820Arg in exon 25 of MYBPC3 (allele freq uency = n/a)

NM_000256.3(MYBPC3):c.2460G>A (p.Arg820=)

Gene: MYBPC3 (myosin binding protein C3; minus strand). Cytogenetic location: 11p11.2.
Variant type: single nucleotide variant.
Coding change: c.2460G>A on transcript NM_000256.3 (MANE Select); coding-DNA position 2460, G replaced by A.
Protein change: p.Arg820=; no amino-acid change (arginine 820 retained).
Molecular consequence: synonymous variant.
Genome position (GRCh38, 1-based): chr11:47,337,533, C>T on the plus strand (G>A on the coding strand, the complement: MYBPC3 is on the minus strand). VCF-style: chr11-47337533-C-T. GRCh37 (hg19) VCF-style: chr11-47359084-C-T.
Identifiers: ClinVar variation 177877 (VCV000177877.35), dbSNP rs532996422, ClinGen allele CA012341.